The following is an entry in ClinVar:

NM_030665.4(RAI1):c.4217G>A (p.Arg1406Lys)

Gene: RAI1 (retinoic acid induced 1; plus strand). Cytogenetic location: 17p11.2.
Variant type: single nucleotide variant.
Coding change: c.4217G>A on transcript NM_030665.4 (MANE Select); coding-DNA position 4217, G replaced by A.
Protein change: p.Arg1406Lys; replaces arginine 1406 with lysine.
Molecular consequence: missense variant.
Genome position (GRCh38, 1-based): chr17:17,797,165, G>A. VCF-style: chr17-17797165-G-A. GRCh37 (hg19) VCF-style: chr17-17700479-G-A.
Other names: c.4217G>A (NM_030665.3); short protein forms R1406K.
Identifiers: ClinVar variation 2004735 (VCV002004735.5), dbSNP rs2032289357, ClinGen allele CA398556056.

ClinVar aggregate classification (germline): Uncertain significance. Review status: criteria provided, multiple submitters, no conflicts (2 of 4 stars). 2 submissions from 2 submitters: Uncertain significance (2). Last evaluated 2026-01-04.

Conditions:
RAI1-related disorder. Also called: RAI1-related condition.

Submissions (2):

PreventionGenetics, part of Exact Sciences
Classification: Uncertain significance for RAI1-related condition. Last evaluated: 2026-01-04. Review status: criteria provided, single submitter. Criteria: ACMG Guidelines, 2015. Collection method: clinical testing. Allele origin: germline.
Comment: The RAI1 c.4217G>A variant is predicted to result in the amino acid substitution p.Arg1406Lys. To our knowledge, this variant has not been reported in the literature or in a large population database (gnomAD), indicating this variant is rare. At this time, the clinical significance of this variant is uncertain due to the absence of conclusive functional and genetic evidence.

Labcorp Genetics (formerly Invitae), Labcorp
Classification: Uncertain significance. Last evaluated: 2022-08-09. Review status: criteria provided, single submitter. Criteria: Invitae Variant Classification Sherloc (09022015). Collection method: clinical testing. Allele origin: germline.
Comment: In summary, the available evidence is currently insufficient to determine the role of this variant in disease. Therefore, it has been classified as a Variant of Uncertain Significance. Algorithms developed to predict the effect of missense changes on protein structure and function (SIFT, PolyPhen-2, Align-GVGD) all suggest that this variant is likely to be disruptive. This variant has not been reported in the literature in individuals affected with RAI1-related conditions. This variant is not present in population databases (gnomAD no frequency). This sequence change replaces arginine, which is basic and polar, with lysine, which is basic and polar, at codon 1406 of the RAI1 protein (p.Arg1406Lys).